The following is an entry in ClinVar:

ClinVar aggregate classification (germline): Uncertain significance (1 of 4 stars; one submission).

Conditions:
Cardiomyopathy (CMYO). Also called: Cardiomyopathies. Identifiers: Orphanet 167848, MedGen C0878544, MONDO:0004994, HP:0001638. Inheritance: Various modes of inheritance.

gnomAD v4.1: 2 of 1,613,990 alleles (0.00012%); highest among the groups gnomAD compares: South Asian, 0.0022%; no homozygotes.

Submission:

Color Diagnostics, LLC DBA Color Health
Classification: Uncertain significance for Cardiomyopathy. Last evaluated: 2025-11-24. Review status: criteria provided, single submitter. Criteria: ACMG Guidelines, 2015. Collection method: clinical testing. Allele origin: germline.
Comment: This missense variant replaces lysine with glutamic acid at codon 148 of the DSG2 protein. Computational prediction suggests that this variant may not impact protein structure and function. To our knowledge, functional studies have not been reported for this variant. This variant has not been reported in individuals affected with DSG2-related disorders in the literature. This variant has been identified in 2/1613990 chromosomes in the general population by the Genome Aggregation Database (gnomAD). The available evidence is insufficient to determine the role of this variant in disease conclusively. Therefore, this variant is classified as a Variant of Uncertain Significance.

NM_001943.5(DSG2):c.442A>G (p.Lys148Glu)

Gene: DSG2 (desmoglein 2; plus strand). Cytogenetic location: 18q12.1.
Variant type: single nucleotide variant.
Coding change: c.442A>G on transcript NM_001943.5 (MANE Select); coding-DNA position 442, A replaced by G.
Protein change: p.Lys148Glu; replaces lysine 148 with glutamic acid.
Molecular consequence: missense variant.
Genome position (GRCh38, 1-based): chr18:31,521,162, A>G. VCF-style: chr18-31521162-A-G. GRCh37 (hg19) VCF-style: chr18-29101125-A-G.
Other names: short protein forms K148E.
Identifiers: ClinVar variation 4759162 (VCV004759162.1).